The following is an entry in ClinVar:

ClinVar aggregate classification (germline): Uncertain significance. Review status: criteria provided, multiple submitters, no conflicts (2 of 4 stars). 3 submissions from 3 submitters: Uncertain significance (3). Last evaluated 2025-02-26.

Conditions:
Inborn genetic diseases. Identifiers: MedGen C0950123, MeSH D030342.
Hereditary spastic paraplegia 48. Also called: Spastic paraplegia 48; SPASTIC PARAPLEGIA 48, AUTOSOMAL RECESSIVE. Identifiers: Orphanet 306511, MedGen C3150901, MONDO:0013342, OMIM 613647.

Allele frequency attached by ClinVar (database versions not stated): gnomAD 0.00001; gnomAD exomes 0.00002; TOPMed 0.00002; ExAC 0.00003.
gnomAD v4.1: 32 of 1,612,412 alleles (0.002%); highest among the groups gnomAD compares: Admixed American, 0.005%; no homozygotes.

Submissions (3):

Ambry Genetics
Classification: Uncertain significance for Inborn genetic diseases. Last evaluated: 2025-02-26. Review status: criteria provided, single submitter. Criteria: Ambry Variant Classification Scheme 2023. Collection method: clinical testing. Allele origin: germline.

Labcorp Genetics (formerly Invitae), Labcorp
Classification: Uncertain significance for Hereditary spastic paraplegia 48. Last evaluated: 2024-11-27. Review status: criteria provided, single submitter. Criteria: Invitae Variant Classification Sherloc (09022015). Collection method: clinical testing. Allele origin: germline.
Comment: This sequence change replaces alanine, which is neutral and non-polar, with valine, which is neutral and non-polar, at codon 744 of the AP5Z1 protein (p.Ala744Val). This variant is present in population databases (rs776245278, gnomAD 0.007%). This variant has not been reported in the literature in individuals affected with AP5Z1-related conditions. ClinVar contains an entry for this variant (Variation ID: 909961). Invitae Evidence Modeling of protein sequence and biophysical properties (such as structural, functional, and spatial information, amino acid conservation, physicochemical variation, residue mobility, and thermodynamic stability) indicates that this missense variant is not expected to disrupt AP5Z1 protein function with a negative predictive value of 80%. In summary, the available evidence is currently insufficient to determine the role of this variant in disease. Therefore, it has been classified as a Variant of Uncertain Significance.

Illumina Laboratory Services, Illumina
Classification: Uncertain significance for Hereditary spastic paraplegia 48. Last evaluated: 2018-01-13. Review status: criteria provided, single submitter. Criteria: ICSL Variant Classification Criteria 13 December 2019. Collection method: clinical testing. Allele origin: germline.

NM_014855.3(AP5Z1):c.2231C>T (p.Ala744Val)

Gene: AP5Z1 (adaptor related protein complex 5 subunit zeta 1; plus strand). Cytogenetic location: 7p22.1.
Variant type: single nucleotide variant.
Coding change: c.2231C>T on transcript NM_014855.3 (MANE Select); coding-DNA position 2231, C replaced by T.
Protein change: p.Ala744Val; replaces alanine 744 with valine.
Molecular consequence: missense variant. On other transcripts: non-coding transcript variant (1).
Genome position (GRCh38, 1-based): chr7:4,791,192, C>T. VCF-style: chr7-4791192-C-T. GRCh37 (hg19) VCF-style: chr7-4830823-C-T.
Other names: c.1763C>T, p.Ala588Val (NM_001364858.1); short protein forms A744V, A588V.
Identifiers: ClinVar variation 909961 (VCV000909961.8), dbSNP rs776245278, ClinGen allele CA4138389.
Genomic context (GRCh38, chr7:4,791,192, plus strand): 5'-CAAAGATGAGGACCCTGGCTCACAGTCCAGCCACCAGCTCCACGCACAGCGAGGAGGGCG[C>T]GGAAGCCATCCGTACCCGGGCCACAGAGCTGCTGACCCTGCTGAAGATGCCTAGCGTGGC-3'
Protein context (NP_055670.1, residues 734-754): ATSSTHSEEG[Ala744Val]EAIRTRATEL